The following is an entry in ClinVar:

NM_000059.4(BRCA2):c.6262del (p.Thr2088fs)

Gene: BRCA2 (BRCA2 DNA repair associated; plus strand). Cytogenetic location: 13q13.1.
Variant type: Deletion.
Coding change: c.6262del on transcript NM_000059.4 (MANE Select); coding-DNA position 6262, one base deleted (A; older notation c.6262delA).
Protein change: p.Thr2088fs; shifts the reading frame from threonine 2088.
Molecular consequence: frameshift variant.
Genome position (GRCh38, 1-based): chr13:32,340,617, A deleted; the last of 2 consecutive A bases (chr13:32,340,616-32,340,617); deleting either gives the same sequence. VCF-style (leftmost placement, unchanged base first): chr13-32340615-GA-G. GRCh37 (hg19) VCF-style: chr13-32914752-GA-G.
Other names: 6490delA; short protein forms T2088fs.
Identifiers: ClinVar variation 266935 (VCV000266935.14), dbSNP rs886040646, ClinGen allele CA10589365.

ClinVar aggregate classification (germline): Pathogenic. Review status: reviewed by expert panel (3 of 4 stars). 4 submissions from 4 submitters: Pathogenic (1). 3 of the submissions do not count toward it. Last evaluated 2016-10-18.

Conditions:
Breast-ovarian cancer, familial, susceptibility to, 2 (BROVCA2). Also called: BRCA2 Hereditary Breast and Ovarian Cancer. Identifiers: Orphanet 145, MedGen C2675520, MONDO:0012933, OMIM 612555. Disease mechanism: loss of function.
Hereditary breast ovarian cancer syndrome. Also called: BRCA1- and BRCA2-Associated Hereditary Breast and Ovarian Cancer; Hereditary breast and ovarian cancer; Breast and ovarian cancer; Hereditary breast and/or ovarian cancer syndrome; Hereditary breast and ovarian cancer syndrome; Hereditary breast and ovarian cancer syndrome (HBOC). Identifiers: Orphanet 145, MedGen C0677776, MeSH D061325, MONDO:0003582. Disease mechanism: loss of function.

Submissions (4):

Evidence-based Network for the Interpretation of Germline Mutant Alleles (ENIGMA)
Classification: Pathogenic for Breast-ovarian cancer, familial, susceptibility to, 2. Last evaluated: 2016-10-18. Review status: reviewed by expert panel. Criteria: ENIGMA BRCA1/2 Classification Criteria (2015). Collection method: curation. Allele origin: germline.
Comment: Variant allele predicted to encode a truncated non-functional protein.

Myriad Genetics, Inc.
Classification: Pathogenic for Breast-ovarian cancer, familial, susceptibility to, 2. Last evaluated: 2025-09-17. Review status: criteria provided, single submitter. Criteria: Myriad Autosomal Dominant, Autosomal Recessive and X-Linked Classification Criteria (2023). Collection method: clinical testing. Allele origin: unknown. Not counted in ClinVar's aggregate classification.
Comment: This variant is considered pathogenic. This variant creates a frameshift predicted to result in premature protein truncation.

Labcorp Genetics (formerly Invitae), Labcorp
Classification: Pathogenic for Hereditary breast ovarian cancer syndrome. Last evaluated: 2025-05-13. Review status: criteria provided, single submitter. Criteria: Invitae Variant Classification Sherloc (09022015). Collection method: clinical testing. Allele origin: germline. Not counted in ClinVar's aggregate classification.
Comment: This sequence change creates a premature translational stop signal (p.Thr2088Leufs*31) in the BRCA2 gene. It is expected to result in an absent or disrupted protein product. Loss-of-function variants in BRCA2 are known to be pathogenic (PMID: 20104584). This variant is not present in population databases (gnomAD no frequency). This premature translational stop signal has been observed in individual(s) with breast cancer (PMID: 25863477). ClinVar contains an entry for this variant (Variation ID: 266935). For these reasons, this variant has been classified as Pathogenic.

Consortium of Investigators of Modifiers of BRCA1/2 (CIMBA), c/o University of Cambridge
Classification: Pathogenic for Breast-ovarian cancer, familial, susceptibility to, 2. Last evaluated: 2015-10-02. Review status: criteria provided, single submitter. Criteria: CIMBA Mutation Classification guidelines May 2016. Collection method: clinical testing. Allele origin: germline. Not counted in ClinVar's aggregate classification.

Literature cited by the submitters: PubMed 20104584 (cited by Labcorp Genetics (formerly Invitae), Labcorp); PubMed 25863477 (cited by Labcorp Genetics (formerly Invitae), Labcorp).